The following is an entry in ClinVar:

NM_006206.6(PDGFRA):c.2324-20A>T

Gene: PDGFRA (platelet derived growth factor receptor alpha; plus strand). Cytogenetic location: 4q12.
Variant type: single nucleotide variant.
Coding change: c.2324-20A>T on transcript NM_006206.6 (MANE Select); 20 bases into the intron before coding-DNA position 2324, A replaced by T.
Molecular consequence: intron variant.
Genome position (GRCh38, 1-based): chr4:54,285,351, A>T. VCF-style: chr4-54285351-A-T. GRCh37 (hg19) VCF-style: chr4-55151518-A-T.
Other names: c.2399-20A>T (NM_001347828.2); c.2324-20A>T (NM_001347829.2); c.2363-20A>T (NM_001347830.2).
Identifiers: ClinVar variation 4875972 (VCV004875972.1).

ClinVar aggregate classification (germline): Likely benign (1 of 4 stars; one submission).

Conditions:
Polyps, multiple and recurrent inflammatory fibroid, gastrointestinal. Identifiers: MedGen C5193005, MONDO:0008285, OMIM 175510.

Submission:

Myriad Genetics, Inc.
Classification: Likely benign for Polyps, multiple and recurrent inflammatory fibroid, gastrointestinal. Last evaluated: 2026-06-15. Review status: criteria provided, single submitter. Criteria: Myriad Autosomal Dominant, Autosomal Recessive and X-Linked Classification Criteria (2023). Collection method: clinical testing. Allele origin: unknown.
Comment: This variant is considered likely benign. This variant is intronic and is not expected to impact mRNA splicing.